The following is an entry in ClinVar:

ClinVar aggregate classification (germline): Conflicting classifications of pathogenicity. Review status: criteria provided, conflicting classifications (1 of 4 stars). 3 submissions from 3 submitters: Uncertain significance (1); Likely benign (2). Last evaluated 2023-11-09.

Conditions:
Primary ciliary dyskinesia 28. Also called: CILIARY DYSKINESIA, PRIMARY, 28, WITH OR WITHOUT SITUS INVERSUS. Identifiers: Orphanet 244, MedGen C3809706, MONDO:0014216, OMIM 615505.
Primary ciliary dyskinesia. Also called: Ciliary dyskinesia. Identifiers: Orphanet 244, MedGen C0008780, MONDO:0016575, HP:0012265.

Allele frequency attached by ClinVar (database versions not stated): ExAC 0.00005; gnomAD 0.00005 and 0.00006; gnomAD exomes 0.00005; TOPMed 0.00005.
gnomAD v4.1: 85 of 1,607,300 alleles (0.0053%); highest among the groups gnomAD compares: African/African-American, 0.011%; no homozygotes.

Submissions (3):

Ambry Genetics
Classification: Likely benign for Primary ciliary dyskinesia. Last evaluated: 2023-11-09. Review status: criteria provided, single submitter. Criteria: Ambry Variant Classification Scheme 2023. Collection method: clinical testing. Allele origin: germline.

Blueprint Genetics
Classification: Likely benign. Last evaluated: 2022-04-06. Review status: criteria provided, single submitter. Criteria: ACMG Guidelines, 2015. Collection method: clinical testing. Allele origin: germline.

Labcorp Genetics (formerly Invitae), Labcorp
Classification: Uncertain significance for Primary ciliary dyskinesia 28. Last evaluated: 2020-08-28. Review status: criteria provided, single submitter. Criteria: Invitae Variant Classification Sherloc (09022015). Collection method: clinical testing. Allele origin: germline.
Comment: This sequence change replaces glycine with serine at codon 362 of the SPAG1 protein (p.Gly362Ser). The glycine residue is weakly conserved and there is a small physicochemical difference between glycine and serine. This variant is present in population databases (rs755866717, ExAC 0.01%). This variant has not been reported in the literature in individuals with SPAG1-related disease. Algorithms developed to predict the effect of missense changes on protein structure and function output the following: SIFT: "Tolerated"; PolyPhen-2: "Benign"; Align-GVGD: "Class C0". The serine amino acid residue is found in multiple mammalian species, suggesting that this missense change does not adversely affect protein function. These predictions have not been confirmed by published functional studies and their clinical significance is uncertain. In summary, the available evidence is currently insufficient to determine the role of this variant in disease. Therefore, it has been classified as a Variant of Uncertain Significance.

NM_003114.5(SPAG1):c.1084G>A (p.Gly362Ser)

Gene: SPAG1 (sperm associated antigen 1; plus strand). Cytogenetic location: 8q22.2.
Variant type: single nucleotide variant.
Coding change: c.1084G>A on transcript NM_003114.5 (MANE Select); coding-DNA position 1084, G replaced by A.
Protein change: p.Gly362Ser; replaces glycine 362 with serine.
Molecular consequence: missense variant.
Genome position (GRCh38, 1-based): chr8:100,194,256, G>A. VCF-style: chr8-100194256-G-A. GRCh37 (hg19) VCF-style: chr8-101206484-G-A.
Other names: c.1084G>A, p.Gly362Ser (NM_001374321.1, NM_172218.3); short protein forms G362S.
Identifiers: ClinVar variation 573113 (VCV000573113.8), dbSNP rs755866717, ClinGen allele CA4827432.